The following is an entry in ClinVar:

NM_001375524.1(TRRAP):c.6489G>A (p.Val2163=)

Gene: TRRAP (transformation/transcription domain associated protein; plus strand). Cytogenetic location: 7q22.1.
Variant type: single nucleotide variant.
Coding change: c.6489G>A on transcript NM_001375524.1 (MANE Select); coding-DNA position 6489, G replaced by A.
Protein change: p.Val2163=; no amino-acid change (valine 2163 retained).
Molecular consequence: synonymous variant.
Genome position (GRCh38, 1-based): chr7:98,959,490, G>A. VCF-style: chr7-98959490-G-A. GRCh37 (hg19) VCF-style: chr7-98557113-G-A.
Other names: c.6468G>A, p.Val2156= (NM_001244580.2); c.6414G>A, p.Val2138= (NM_003496.4).
Identifiers: ClinVar variation 5019018 (VCV005019018.2).
Genomic context (GRCh38, chr7:98,959,490, plus strand): 5'-AGACATGTGGCCCAAGTCCGAACTCAAGCTGCAGTGGTTCGACAAGCTGCTGATGACTGT[G>A]GTGAGTGCGAGTGTCTGAAGGGCCAGGGCAGCGCCACCGAGGCCACTAGCAGATACTGTC-3'
Protein context (NP_001362453.1, residues 2153-2173): LQWFDKLLMT[Val2163=]EQPNQVNYGN

ClinVar aggregate classification (germline): Uncertain significance (1 of 4 stars; one submission).

Conditions:
Hearing loss, autosomal dominant 75. Also called: DEAFNESS, AUTOSOMAL DOMINANT 75. Identifiers: MedGen C5394059, MONDO:0032911, OMIM 618778.
Developmental delay with or without dysmorphic facies and autism. Identifiers: MedGen C5193106, MONDO:0032760, OMIM 618454.

Submission:

Juno Genomics, Hangzhou Juno Genomics, Inc
Classification: Uncertain significance for Hearing loss, autosomal dominant 75; Developmental delay with or without dysmorphic facies and autism. Review status: criteria provided, single submitter. Criteria: ACMG Guidelines, 2015. Collection method: clinical testing. Allele origin: germline.
Comment: Absent from controls (or at extremely low frequency if recessive) in Genome Aggregation Database.